The following is an entry in ClinVar:

ClinVar aggregate classification (germline): Uncertain significance (1 of 4 stars; one submission).

Conditions:
Mitochondrial complex V (ATP synthase) deficiency, nuclear type 2. Also called: Nuclear-Encoded ATPase Deficiency, TMEM70-Related; MITOCHONDRIAL COMPLEX V (ATP SYNTHASE) DEFICIENCY, TMEM70 TYPE; ENCEPHALOCARDIOMYOPATHY, MITOCHONDRIAL, NEONATAL, DUE TO ATP SYNTHASE DEFICIENCY. Identifiers: Orphanet 1194, MedGen C3279699, MONDO:0013546, OMIM 614052.

Allele frequency attached by ClinVar (database versions not stated): gnomAD exomes below 0.00001 and 0.00001; gnomAD 0.00001; ExAC 0.00002.
gnomAD v4.1: 6 of 1,614,006 alleles (0.00037%); highest among the groups gnomAD compares: Non-Finnish European, 0.00042%; no homozygotes.

Submission:

Labcorp Genetics (formerly Invitae), Labcorp
Classification: Uncertain significance for Mitochondrial complex V (ATP synthase) deficiency, nuclear type 2. Last evaluated: 2021-11-06. Review status: criteria provided, single submitter. Criteria: Invitae Variant Classification Sherloc (09022015). Collection method: clinical testing. Allele origin: germline.
Comment: This variant has not been reported in the literature in individuals affected with TMEM70-related conditions. Algorithms developed to predict the effect of missense changes on protein structure and function are either unavailable or do not agree on the potential impact of this missense change (SIFT: "Deleterious"; PolyPhen-2: "Probably Damaging"; Align-GVGD: "Class C0"). Algorithms developed to predict the effect of sequence changes on RNA splicing suggest that this variant may create or strengthen a splice site. In summary, the available evidence is currently insufficient to determine the role of this variant in disease. Therefore, it has been classified as a Variant of Uncertain Significance. This sequence change replaces lysine, which is basic and polar, with glutamic acid, which is acidic and polar, at codon 217 of the TMEM70 protein (p.Lys217Glu). This variant is present in population databases (rs750215839, gnomAD 0.002%).

NM_017866.6(TMEM70):c.649A>G (p.Lys217Glu)

Gene: TMEM70 (transmembrane protein 70; plus strand). Cytogenetic location: 8q21.11.
Variant type: single nucleotide variant.
Coding change: c.649A>G on transcript NM_017866.6 (MANE Select); coding-DNA position 649, A replaced by G.
Protein change: p.Lys217Glu; replaces lysine 217 with glutamic acid.
Molecular consequence: missense variant. On other transcripts: 3 prime UTR variant (1), non-coding transcript variant (1).
Genome position (GRCh38, 1-based): chr8:73,981,487, A>G. VCF-style: chr8-73981487-A-G. GRCh37 (hg19) VCF-style: chr8-74893722-A-G.
Other names: c.*339A>G (NM_001040613.3); short protein forms K217E.
Identifiers: ClinVar variation 1463643 (VCV001463643.6), dbSNP rs750215839, ClinGen allele CA4784084.